The following is an entry in ClinVar:

NM_013266.4(CTNNA3):c.1105A>T (p.Lys369Ter)

Gene: CTNNA3 (catenin alpha 3; minus strand). Cytogenetic location: 10q21.3.
Variant type: single nucleotide variant.
Coding change: c.1105A>T on transcript NM_013266.4 (MANE Select); coding-DNA position 1105, A replaced by T.
Protein change: p.Lys369Ter; replaces lysine 369 with a stop codon.
Molecular consequence: nonsense.
Genome position (GRCh38, 1-based): chr10:66,775,467, T>A on the plus strand (A>T on the coding strand, the complement: CTNNA3 is on the minus strand). VCF-style: chr10-66775467-T-A. GRCh37 (hg19) VCF-style: chr10-68535225-T-A.
Other names: c.1105A>T, p.Lys369Ter (NM_001127384.3); short protein forms K369*.
Identifiers: ClinVar variation 862018 (VCV000862018.7), dbSNP rs1840257862, ClinGen allele CA377092156.

ClinVar aggregate classification (germline): Uncertain significance (1 of 4 stars; one submission).

Conditions:
Arrhythmogenic right ventricular dysplasia 13. Also called: Arrhythmogenic right ventricular dysplasia, familial, 13; ARRHYTHMOGENIC RIGHT VENTRICULAR CARDIOMYOPATHY 13. Identifiers: MedGen C3810138, MONDO:0000908, OMIM 615616.

Submission:

Labcorp Genetics (formerly Invitae), Labcorp
Classification: Uncertain significance for Arrhythmogenic right ventricular dysplasia 13. Last evaluated: 2019-04-05. Review status: criteria provided, single submitter. Criteria: Invitae Variant Classification Sherloc (09022015). Collection method: clinical testing. Allele origin: germline.
Comment: In summary, the available evidence is currently insufficient to determine the role of this variant in disease. Therefore, it has been classified as a Variant of Uncertain Significance. The current clinical and genetic evidence is not sufficient to establish whether loss-of-function variants in CTNNA3 cause disease. This variant has not been reported in the literature in individuals with CTNNA3-related conditions. This variant is not present in population databases (ExAC no frequency). This sequence change creates a premature translational stop signal (p.Lys369*) in the CTNNA3 gene. It is expected to result in an absent or disrupted protein product.